The following is an entry in ClinVar:

NM_001042492.3(NF1):c.2850+10T>G

Gene: NF1 (neurofibromin 1; plus strand). Cytogenetic location: 17q11.2.
Variant type: single nucleotide variant.
Coding change: c.2850+10T>G on transcript NM_001042492.3 (MANE Select); 10 bases into the intron after coding-DNA position 2850, T replaced by G.
Molecular consequence: intron variant.
Genome position (GRCh38, 1-based): chr17:31,229,475, T>G. VCF-style: chr17-31229475-T-G. GRCh37 (hg19) VCF-style: chr17-29556493-T-G.
Other names: c.2850+10T>G (NM_000267.4).
Identifiers: ClinVar variation 457603 (VCV000457603.13), dbSNP rs771916458, ClinGen allele CA8486033.

ClinVar aggregate classification (germline): Likely benign. Review status: criteria provided, multiple submitters, no conflicts (2 of 4 stars). 4 submissions from 4 submitters: Likely benign (4). Last evaluated 2026-05-12.

Conditions:
Hereditary cancer-predisposing syndrome. Also called: Hereditary neoplastic syndrome; Neoplastic Syndromes, Hereditary; Hereditary Cancer Syndrome; Tumor predisposition. Identifiers: Orphanet 140162, MedGen C0027672, MeSH D009386, MONDO:0015356.
Neurofibromatosis, type 1 (NF1). Also called: Peripheral type neurofibromatosis; Neurofibromatosis, type I; VON RECKLINGHAUSEN DISEASE; NEUROFIBROMATOSIS, TYPE I, SOMATIC. Identifiers: Orphanet 636, MedGen C0027831, MONDO:0018975, OMIM 162200. Disease mechanism: loss of function.

Allele frequency attached by ClinVar (database versions not stated): gnomAD 0.00001; TOPMed below 0.00001; gnomAD exomes below 0.00001; ExAC 0.00001.
gnomAD v4.1: 7 of 1,612,092 alleles (0.00043%); highest among the groups gnomAD compares: Non-Finnish European, 0.00051%; no homozygotes.

Submissions (4):

Myriad Genetics, Inc.
Classification: Likely benign for Neurofibromatosis, type 1. Last evaluated: 2026-05-12. Review status: criteria provided, single submitter. Criteria: Myriad Autosomal Dominant, Autosomal Recessive and X-Linked Classification Criteria (2023). Collection method: clinical testing. Allele origin: unknown.
Comment: This variant is considered likely benign. This variant is intronic and is not expected to impact mRNA splicing.

Labcorp Genetics (formerly Invitae), Labcorp
Classification: Likely benign for Neurofibromatosis, type 1. Last evaluated: 2024-09-12. Review status: criteria provided, single submitter. Criteria: Invitae Variant Classification Sherloc (09022015). Collection method: clinical testing. Allele origin: germline.

Genome-Nilou Lab
Classification: Likely benign for Neurofibromatosis, type 1. Last evaluated: 2022-03-15. Review status: criteria provided, single submitter. Criteria: ACMG Guidelines, 2015. Collection method: clinical testing. Allele origin: germline. Affected: no.

Sema4
Classification: Likely benign for Hereditary cancer-predisposing syndrome. Last evaluated: 2020-10-13. Review status: criteria provided, single submitter. Criteria: Sema4 Curation Guidelines. Collection method: curation. Allele origin: germline.